The following is an entry in ClinVar:

NM_000554.6(CRX):c.*2155G>A

Gene: CRX (cone-rod homeobox; plus strand). Cytogenetic location: 19q13.33.
Variant type: single nucleotide variant.
Coding change: c.*2155G>A on transcript NM_000554.6 (MANE Select); 2155 bases downstream of the stop codon, G replaced by A.
Molecular consequence: 3 prime UTR variant.
Genome position (GRCh38, 1-based): chr19:47,842,122, G>A. VCF-style: chr19-47842122-G-A. GRCh37 (hg19) VCF-style: chr19-48345379-G-A.
Identifiers: ClinVar variation 329756 (VCV000329756.5), dbSNP rs113560570, ClinGen allele CA10652169.

ClinVar aggregate classification (germline): Benign. Review status: criteria provided, single submitter (1 of 4 stars). 3 submissions from 1 submitter: Benign (3). Last evaluated 2018-01-13.

Conditions:
Leber congenital amaurosis 7 (LCA7). Identifiers: Orphanet 65, MedGen C3151192, MONDO:0013449, OMIM 613829.
Retinitis pigmentosa (RP). Identifiers: Orphanet 791, MedGen C0035334, MeSH D012174, MONDO:0019200, OMIM 268000. Inheritance: Autosomal dominant, autosomal recessive and X linked inheritance.
Cone-rod dystrophy 2 (CORD2). Also called: CONE-ROD RETINAL DYSTROPHY; Cone-rod retinal dystrophy 2. Identifiers: Orphanet 1872, MedGen C3489532, MONDO:0007362, OMIM 120970.

Allele frequency attached by ClinVar (database versions not stated): gnomAD exomes 0.00180; TOPMed 0.04491; 1000 Genomes Project 0.04732; 1000 Genomes Project 30x 0.05122.
gnomAD v4.1: 6,099 of 152,904 alleles (4%); highest among the groups gnomAD compares: African/African-American, 14%; 397 homozygotes.

Submissions (3):

Illumina Laboratory Services, Illumina
Classification: Benign for Cone-rod dystrophy 2. Last evaluated: 2018-01-13. Review status: criteria provided, single submitter. Criteria: ICSL Variant Classification Criteria 13 December 2019. Collection method: clinical testing. Allele origin: germline.
Comment: This variant was observed in the ICSL laboratory as part of a predisposition screen in an ostensibly healthy population. It had not been previously curated by ICSL or reported in the Human Gene Mutation Database (HGMD: prior to June 1st, 2018), and was therefore a candidate for classification through an automated scoring system. Utilizing variant allele frequency, disease prevalence and penetrance estimates, and inheritance mode, an automated score was calculated to assess if this variant is too frequent to cause the disease. Based on the score and internal cut-off values, a variant classified as benign is not then subjected to further curation. The score for this variant resulted in a classification of benign for this disease.

Illumina Laboratory Services, Illumina
Classification: Benign for Retinitis pigmentosa. Last evaluated: 2018-01-13. Review status: criteria provided, single submitter. Criteria: ICSL Variant Classification Criteria 13 December 2019. Collection method: clinical testing. Allele origin: germline.
Comment: the same text as in the submission from Illumina Laboratory Services, Illumina above.

Illumina Laboratory Services, Illumina
Classification: Benign for Leber congenital amaurosis 7. Last evaluated: 2018-01-13. Review status: criteria provided, single submitter. Criteria: ICSL Variant Classification Criteria 13 December 2019. Collection method: clinical testing. Allele origin: germline.
Comment: the same text as in the submission from Illumina Laboratory Services, Illumina above.